The following is an entry in ClinVar:

ClinVar aggregate classification (germline): Uncertain significance. Review status: criteria provided, multiple submitters, no conflicts (2 of 4 stars). 2 submissions from 2 submitters: Uncertain significance (2). Last evaluated 2022-06-03.

Conditions:
Joubert syndrome 3 (JBTS3). Also called: AHI1-related Ciliopathy. Identifiers: Orphanet 220493, MedGen C1837713, MONDO:0012078, OMIM 608629.
Joubert syndrome. Also called: CEREBELLOPARENCHYMAL DISORDER IV; JOUBERT-BOLTSHAUSER SYNDROME; Familial aplasia of the vermis. Identifiers: Orphanet 475, MedGen C5979921, MONDO:0018772.

Allele frequency attached by ClinVar (database versions not stated): TOPMed 0.00003; ESP Exome Variant Server 0.00009; gnomAD exomes below 0.00001 and 0.00002; ExAC 0.00002; gnomAD 0.00002.
gnomAD v4.1: 8 of 1,568,206 alleles (0.00051%); highest among the groups gnomAD compares: African/African-American, 0.011%; no homozygotes.

Submissions (2):

Labcorp Genetics (formerly Invitae), Labcorp
Classification: Uncertain significance for Joubert syndrome. Last evaluated: 2022-06-03. Review status: criteria provided, single submitter. Criteria: Invitae Variant Classification Sherloc (09022015). Collection method: clinical testing. Allele origin: germline.
Comment: This sequence change replaces glycine, which is neutral and non-polar, with alanine, which is neutral and non-polar, at codon 756 of the AHI1 protein (p.Gly756Ala). The frequency data for this variant in the population databases is considered unreliable, as metrics indicate poor data quality at this position in the gnomAD database. This variant has not been reported in the literature in individuals affected with AHI1-related conditions. ClinVar contains an entry for this variant (Variation ID: 1411175). Algorithms developed to predict the effect of missense changes on protein structure and function are either unavailable or do not agree on the potential impact of this missense change (SIFT: "Deleterious"; PolyPhen-2: "Probably Damaging"; Align-GVGD: "Class C0"). Algorithms developed to predict the effect of sequence changes on RNA splicing suggest that this variant may disrupt the consensus splice site. In summary, the available evidence is currently insufficient to determine the role of this variant in disease. Therefore, it has been classified as a Variant of Uncertain Significance.

Fulgent Genetics
Classification: Uncertain significance for Joubert syndrome 3. Last evaluated: 2021-12-24. Review status: criteria provided, single submitter. Criteria: ACMG Guidelines, 2015. Collection method: clinical testing. Allele origin: unknown.

NM_001134831.2(AHI1):c.2267G>C (p.Gly756Ala)

Gene: AHI1 (Abelson helper integration site 1; minus strand). Cytogenetic location: 6q23.3.
Variant type: single nucleotide variant.
Coding change: c.2267G>C on transcript NM_001134831.2 (MANE Select); coding-DNA position 2267, G replaced by C.
Protein change: p.Gly756Ala; replaces glycine 756 with alanine.
Molecular consequence: missense variant.
Genome position (GRCh38, 1-based): chr6:135,431,314, C>G on the plus strand (G>C on the coding strand, the complement: AHI1 is on the minus strand). VCF-style: chr6-135431314-C-G. GRCh37 (hg19) VCF-style: chr6-135752452-C-G.
Other names: c.2267G>C, p.Gly756Ala (NM_001134830.2, NM_001134832.2, NM_001350503.2 and 2 more transcripts); short protein forms G756A.
Identifiers: ClinVar variation 1411175 (VCV001411175.4), dbSNP rs372012542, ClinGen allele CA4012403.